The following is an entry in ClinVar:

ClinVar aggregate classification (germline): Benign. Review status: criteria provided, multiple submitters, no conflicts (2 of 4 stars). 2 submissions from 2 submitters: Benign (2). Last evaluated 2018-01-13.

Conditions:
Vitamin K-dependent clotting factors, combined deficiency of, type 1. Also called: FACTORS II, VII, IX, AND X, COMBINED DEFICIENCY OF; FAMILIAL MULTIPLE COAGULATION FACTOR DEFICIENCY III; FMFD III; GLUTAMIC ACID, DEFICIENT GAMMA-CARBOXYLATION OF; MULTIPLE COAGULATION FACTOR DEFICIENCY III; VITAMIN K-DEPENDENT COAGULATION DEFECT. Identifiers: Orphanet 98434, MedGen C1848534, MONDO:0010187, OMIM 277450.

Allele frequency attached by ClinVar (database versions not stated): gnomAD 0.10244; TOPMed 0.11279; 1000 Genomes Project 30x 0.11868; 1000 Genomes Project 0.11901; gnomAD exomes 0.25000.

Submissions (2):

Illumina Laboratory Services, Illumina
Classification: Benign for Vitamin K-dependent clotting factors, combined deficiency of, type 1. Last evaluated: 2018-01-13. Review status: criteria provided, single submitter. Criteria: ICSL Variant Classification Criteria 13 December 2019. Collection method: clinical testing. Allele origin: germline.
Comment: This variant was observed in the ICSL laboratory as part of a predisposition screen in an ostensibly healthy population. It had not been previously curated by ICSL or reported in the Human Gene Mutation Database (HGMD: prior to June 1st, 2018), and was therefore a candidate for classification through an automated scoring system. Utilizing variant allele frequency, disease prevalence and penetrance estimates, and inheritance mode, an automated score was calculated to assess if this variant is too frequent to cause the disease. Based on the score and internal cut-off values, a variant classified as benign is not then subjected to further curation. The score for this variant resulted in a classification of benign for this disease.

Breakthrough Genomics
Classification: Benign. Review status: criteria provided, single submitter. Criteria: ACMG Guidelines, 2015. Collection method: not provided. Allele origin: germline. Inheritance: Autosomal recessive inheritance. Affected: yes.

NM_000821.7(GGCX):c.*3047G>A

Gene: GGCX (gamma-glutamyl carboxylase; minus strand). Cytogenetic location: 2p11.2.
Variant type: single nucleotide variant.
Coding change: c.*3047G>A on transcript NM_000821.7 (MANE Select); 3047 bases downstream of the stop codon, G replaced by A.
Molecular consequence: 3 prime UTR variant.
Genome position (GRCh38, 1-based): chr2:85,546,887, C>T on the plus strand (G>A on the coding strand, the complement: GGCX is on the minus strand). VCF-style: chr2-85546887-C-T. GRCh37 (hg19) VCF-style: chr2-85774010-C-T.
Other names: c.*3047G>A (NM_001142269.4).
Identifiers: ClinVar variation 337208 (VCV000337208.6), dbSNP rs34669893, ClinGen allele CA10614496.